The following is an entry in ClinVar:

ClinVar aggregate classification (germline): Conflicting classifications of pathogenicity. Review status: criteria provided, conflicting classifications (1 of 4 stars). 7 submissions from 7 submitters: Uncertain significance (1); Benign (3); Likely benign (2). 1 of the submissions does not count toward it. Last evaluated 2025-12-24.

Conditions:
Inborn genetic diseases. Identifiers: MedGen C0950123, MeSH D030342.
Autosomal dominant nonsyndromic hearing loss 4A. Also called: Deafness, autosomal dominant 4A. Identifiers: Orphanet 90635, MedGen C1833503, MONDO:0010915, OMIM 600652.
MYH14-related disorder. Also called: MYH14-related condition.

Allele frequency attached by ClinVar (database versions not stated): ExAC 0.00080; 1000 Genomes Project 30x 0.00219; 1000 Genomes Project 0.00220; gnomAD 0.00226 and 0.00249; TOPMed 0.00257; ESP Exome Variant Server 0.00294.
gnomAD v4.1: 638 of 1,613,954 alleles (0.04%); highest among the groups gnomAD compares: African/African-American, 0.78%; 3 homozygotes.

Submissions (7):

Labcorp Genetics (formerly Invitae), Labcorp
Classification: Benign. Last evaluated: 2025-12-24. Review status: criteria provided, single submitter. Criteria: Invitae Variant Classification Sherloc (09022015). Collection method: clinical testing. Allele origin: germline.

Ambry Genetics
Classification: Uncertain significance for Inborn genetic diseases. Last evaluated: 2024-11-19. Review status: criteria provided, single submitter. Criteria: Ambry Variant Classification Scheme 2023. Collection method: clinical testing. Allele origin: germline.

Blueprint Genetics
Classification: Likely benign. Last evaluated: 2024-09-13. Review status: criteria provided, single submitter. Criteria: ACMG Guidelines, 2015. Collection method: clinical testing. Allele origin: germline.

GeneDx
Classification: Likely benign. Last evaluated: 2020-10-22. Review status: criteria provided, single submitter. Criteria: GeneDx Variant Classification Process June 2021. Collection method: clinical testing. Allele origin: germline. Affected: yes.

Illumina Laboratory Services, Illumina
Classification: Benign for Autosomal dominant nonsyndromic hearing loss 4A. Last evaluated: 2018-01-13. Review status: criteria provided, single submitter. Criteria: ICSL Variant Classification Criteria 13 December 2019. Collection method: clinical testing. Allele origin: germline.
Comment: This variant was observed in the ICSL laboratory as part of a predisposition screen in an ostensibly healthy population. It had not been previously curated by ICSL or reported in the Human Gene Mutation Database (HGMD: prior to June 1st, 2018), and was therefore a candidate for classification through an automated scoring system. Utilizing variant allele frequency, disease prevalence and penetrance estimates, and inheritance mode, an automated score was calculated to assess if this variant is too frequent to cause the disease. Based on the score and internal cut-off values, a variant classified as benign is not then subjected to further curation. The score for this variant resulted in a classification of benign for this disease.

Laboratory for Molecular Medicine, Mass General Brigham Personalized Medicine
Classification: Benign. Last evaluated: 2012-04-30. Review status: criteria provided, single submitter. Criteria: LMM Criteria. Collection method: clinical testing. Allele origin: germline. Observed: 2 variant alleles.
Comment: Ser345Cys in Exon 10 of MYH14: This variant is not expected to have clinical sig nificance because it has been identified in 0.9% (30/3264) of African American c hromosomes from a broad population by the NHLBI Exome Sequencing Project (dbSNP rs35315400).

PreventionGenetics, part of Exact Sciences
Classification: Benign for MYH14-related condition. Last evaluated: 2019-05-31. Review status: no assertion criteria provided. Collection method: clinical testing. Allele origin: germline. Not counted in ClinVar's aggregate classification.
Comment: This variant is classified as benign based on ACMG/AMP sequence variant interpretation guidelines (Richards et al. 2015 PMID: 25741868, with internal and published modifications).

NM_001145809.2(MYH14):c.1034C>G (p.Ser345Cys)

Gene: MYH14 (myosin heavy chain 14; plus strand). Cytogenetic location: 19q13.33.
Variant type: single nucleotide variant.
Coding change: c.1034C>G on transcript NM_001145809.2 (MANE Select); coding-DNA position 1034, C replaced by G.
Protein change: p.Ser345Cys; replaces serine 345 with cysteine.
Molecular consequence: missense variant.
Genome position (GRCh38, 1-based): chr19:50,231,990, C>G. VCF-style: chr19-50231990-C-G. GRCh37 (hg19) VCF-style: chr19-50735247-C-G.
Other names: c.1034C>G, p.Ser345Cys (NM_001077186.2); c.1010C>G, p.Ser337Cys (NM_024729.4); short protein forms S345C, S337C.
Identifiers: ClinVar variation 178414 (VCV000178414.23), dbSNP rs35315400, ClinGen allele CA182280.
Genomic context (GRCh38, chr19:50,231,990, plus strand): 5'-CCGACCTCCTCCTCGAGCCCTGCTCCCACTACCGGTTCCTGACCAACGGGCCGTCATCCT[C>G]TCCCGGCCAGGAGCGGGAACTCTTCCAGGAGACGCTGGAGTCGCTGCGGGTCCTGGGATT-3'
Protein context (NP_001139281.1, residues 335-355): YRFLTNGPSS[Ser345Cys]PGQERELFQE